The following is an entry in ClinVar:

NM_001171.6(ABCC6):c.191G>A (p.Arg64Gln)

Gene: ABCC6 (ATP binding cassette subfamily C member 6; minus strand). Cytogenetic location: 16p13.11.
Variant type: single nucleotide variant.
Coding change: c.191G>A on transcript NM_001171.6 (MANE Select); coding-DNA position 191, G replaced by A.
Protein change: p.Arg64Gln; replaces arginine 64 with glutamine.
Molecular consequence: missense variant. On other transcripts: 5 prime UTR variant (1), non-coding transcript variant (1).
Genome position (GRCh38, 1-based): chr16:16,221,677, C>T on the plus strand (G>A on the coding strand, the complement: ABCC6 is on the minus strand). VCF-style: chr16-16221677-C-T. GRCh37 (hg19) VCF-style: chr16-16315534-C-T.
Other names: c.191G>A, p.Arg64Gln (NM_001079528.4); c.-183G>A (NM_001351800.1); short protein forms R64Q.
Identifiers: ClinVar variation 433504 (VCV000433504.28), dbSNP rs777566074, ClinGen allele CA7926690.

ClinVar aggregate classification (germline): Uncertain significance. Review status: criteria provided, multiple submitters, no conflicts (2 of 4 stars). 4 submissions from 4 submitters: Uncertain significance (3). 1 of the submissions does not count toward it. Last evaluated 2026-08-25.

Conditions:
ABCC6-related disorder. Also called: ABCC6-related condition.
Autosomal recessive inherited pseudoxanthoma elasticum (PXE). Identifiers: Orphanet 758, MedGen CN032334, MONDO:0009925, OMIM 264800.
Pseudoxanthoma elasticum, forme fruste. Also called: Pseudoxanthoma Elasticum, Incomplete; PSEUDOXANTHOMA ELASTICUM, HETEROZYGOUS. Identifiers: Orphanet 758, MedGen C1867450, MONDO:0008333, OMIM 177850.
Arterial calcification, generalized, of infancy, 2. Identifiers: Orphanet 51608, MedGen C3276161, MONDO:0013768, OMIM 614473.

Allele frequency attached by ClinVar (database versions not stated): gnomAD 0.00005 and 0.00006; ExAC 0.00010.
gnomAD v4.1: 46 of 1,613,558 alleles (0.0029%); highest among the groups gnomAD compares: Middle Eastern, 0.049%; no homozygotes.

Submissions (4):

PreventionGenetics, part of Exact Sciences
Classification: Uncertain significance for ABCC6-related condition. Last evaluated: 2026-08-25. Review status: criteria provided, single submitter. Criteria: ACMG Guidelines, 2015. Collection method: clinical testing. Allele origin: germline.
Comment: The ABCC6 c.191G>A variant is predicted to result in the amino acid substitution p.Arg64Gln. This variant has been reported in several individuals of Chinese descent with pseudoxanthoma elasticum (Jin et al. 2015. PubMed ID: 25615550), and in individuals with premature coronary artery disease (Table S5, Teng et al. 2024. PubMed ID: 38297435). This variant is reported in 0.020% of alleles in individuals of European (Finnish) descent in gnomAD. In vivo experimental studies indicate the p.Arg64Gln variant resulted in rescue comparable to that of the wild-type mRNA (Jin et al. 2015. PubMed ID: 25615550). At this time, the clinical significance of this variant is uncertain due to the absence of conclusive functional and genetic evidence.

CeGaT Center for Human Genetics Tuebingen
Classification: Uncertain significance. Last evaluated: 2025-06-01. Review status: criteria provided, single submitter. Criteria: CeGaT Center For Human Genetics Tuebingen Variant Classification Criteria Version 2. Collection method: clinical testing. Allele origin: germline. Affected: yes. Observed: 2 variant alleles.
Comment: ABCC6: PM2, BP4

Fulgent Genetics
Classification: Uncertain significance for Pseudoxanthoma elasticum, forme fruste; Autosomal recessive inherited pseudoxanthoma elasticum; Arterial calcification, generalized, of infancy, 2. Last evaluated: 2024-02-28. Review status: criteria provided, single submitter. Criteria: ACMG Guidelines, 2015. Collection method: clinical testing. Allele origin: germline.

PXE International
Classification: Uncertain significance for Autosomal recessive inherited pseudoxanthoma elasticum. Last evaluated: 2021-02-16. Review status: no assertion criteria provided. Collection method: research. Allele origin: germline. Inheritance: Autosomal recessive inheritance. Affected: yes. Not counted in ClinVar's aggregate classification.

Literature cited by the submitters: PubMed 26084751 (cited by PXE International); 32873932 (cited by PXE International).